The following is an entry in ClinVar:

NM_020297.4(ABCC9):c.1619-20C>A

Gene: ABCC9 (ATP binding cassette subfamily C member 9; minus strand). Cytogenetic location: 12p12.1.
Variant type: single nucleotide variant.
Coding change: c.1619-20C>A on transcript NM_020297.4 (MANE Select); 20 bases into the intron before coding-DNA position 1619, C replaced by A.
Molecular consequence: intron variant.
Genome position (GRCh38, 1-based): chr12:21,895,335, G>T on the plus strand (C>A on the coding strand, the complement: ABCC9 is on the minus strand). VCF-style: chr12-21895335-G-T. GRCh37 (hg19) VCF-style: chr12-22048269-G-T.
Other names: c.755-20C>A (NM_001377274.1); c.1619-20C>A (NM_005691.4, NM_001377273.1).
Identifiers: ClinVar variation 996258 (VCV000996258.5), dbSNP rs1357942810, ClinGen allele CA686441952.

ClinVar aggregate classification (germline): Likely benign. Review status: criteria provided, multiple submitters, no conflicts (2 of 4 stars). 2 submissions from 2 submitters: Likely benign (2). Last evaluated 2024-06-06.

Conditions:
Dilated cardiomyopathy 1O (CMD1O). Also called: CARDIOMYOPATHY, DILATED, WITH VENTRICULAR TACHYCARDIA. Identifiers: Orphanet 154, MedGen C1837839, MONDO:0012062, OMIM 608569.

Allele frequency attached by ClinVar (database versions not stated): TOPMed 0.00001.
gnomAD v4.1: 31 of 1,607,562 alleles (0.0019%); highest among the groups gnomAD compares: Non-Finnish European, 0.0026%; no homozygotes.

Submissions (2):

Labcorp Genetics (formerly Invitae), Labcorp
Classification: Likely benign for Dilated cardiomyopathy 1O. Last evaluated: 2024-06-06. Review status: criteria provided, single submitter. Criteria: Invitae Variant Classification Sherloc (09022015). Collection method: clinical testing. Allele origin: germline.

Women's Health and Genetics/Laboratory Corporation of America, LabCorp
Classification: Likely benign. Last evaluated: 2021-01-07. Review status: criteria provided, single submitter. Criteria: LabCorp Variant Classification Summary - May 2015. Collection method: clinical testing. Allele origin: germline.
Comment: Variant summary: ABCC9 c.1619-20C>A alters a non-conserved nucleotide located close to a canonical splice site and therefore could affect mRNA splicing, leading to a significantly altered protein sequence. 4/4 computational tools predict no significant impact on normal splicing. However, these predictions have yet to be confirmed by functional studies. The variant was absent in 250140 control chromosomes (gnomAD). The available data on variant occurrences in the general population are insufficient to allow any conclusion about variant significance. To our knowledge, no occurrence of c.1619-20C>A in individuals affected with Dilated Cardiomyopathy and no experimental evidence demonstrating its impact on protein function have been reported. No clinical diagnostic laboratories have submitted clinical-significance assessments for this variant to ClinVar after 2014. Based on the evidence outlined above, the variant was classified as likely benign.